The following is an entry in ClinVar:

ClinVar aggregate classification (germline): Uncertain significance. Review status: criteria provided, multiple submitters, no conflicts (2 of 4 stars). 3 submissions from 3 submitters: Uncertain significance (3). Last evaluated 2025-09-02.

Conditions:
Endometrial carcinoma. Also called: Endometrial carcinoma, somatic. Identifiers: MedGen C0476089, MONDO:0002447, OMIM 608089, HP:0012114.
Hereditary cancer-predisposing syndrome. Also called: Hereditary neoplastic syndrome; Tumor predisposition; Neoplastic Syndromes, Hereditary; Hereditary Cancer Syndrome. Identifiers: Orphanet 140162, MedGen C0027672, MeSH D009386, MONDO:0015356.

gnomAD v4.1: 5 of 1,614,118 alleles (0.00031%); highest among the groups gnomAD compares: East Asian, 0.0089%; no homozygotes.

Submissions (3):

Labcorp Genetics (formerly Invitae), Labcorp
Classification: Uncertain significance. Last evaluated: 2025-09-02. Review status: criteria provided, single submitter. Criteria: Invitae Variant Classification Sherloc (09022015). Collection method: clinical testing. Allele origin: germline.
Comment: This sequence change replaces serine, which is neutral and polar, with arginine, which is basic and polar, at codon 201 of the MSH3 protein (p.Ser201Arg). This variant is present in population databases (no rsID available, gnomAD 0.01%). This variant has not been reported in the literature in individuals affected with MSH3-related conditions. ClinVar contains an entry for this variant (Variation ID: 656876). An algorithm developed to predict the effect of missense changes on protein structure and function (PolyPhen-2) suggests that this variant is likely to be tolerated. In summary, the available evidence is currently insufficient to determine the role of this variant in disease. Therefore, it has been classified as a Variant of Uncertain Significance.

Ambry Genetics
Classification: Uncertain significance for Hereditary cancer-predisposing syndrome. Last evaluated: 2024-11-06. Review status: criteria provided, single submitter. Criteria: Ambry Variant Classification Scheme 2023. Collection method: clinical testing. Allele origin: germline.
Comment: The p.S201R variant (also known as c.601A>C), located in coding exon 4 of the MSH3 gene, results from an A to C substitution at nucleotide position 601. The serine at codon 201 is replaced by arginine, an amino acid with dissimilar properties. In a study using model-based point mutation alleles of Saccharomyces cerevisiae msh3, the S201R alteration caused null phenotypes in both frameshift repair and microsatellite stability assays (Dowen JM et al. Mol. Cell. Biol., 2010 Jul;30:3321-8).This amino acid position is not well conserved in available vertebrate species. In addition, this alteration is predicted to be tolerated by in silico analysis. Based on the available evidence, the clinical significance of this variant remains unclear.

Baylor Genetics
Classification: Uncertain significance for Endometrial carcinoma. Last evaluated: 2024-03-05. Review status: criteria provided, single submitter. Criteria: ACMG Guidelines, 2015. Collection method: clinical testing. Allele origin: unknown.

Literature cited by the submitters: PubMed 20421420 (cited by Ambry Genetics).

NM_002439.5(MSH3):c.601A>C (p.Ser201Arg)

Gene: MSH3 (mutS homolog 3; plus strand). Cytogenetic location: 5q14.1.
Variant type: single nucleotide variant.
Coding change: c.601A>C on transcript NM_002439.5 (MANE Select); coding-DNA position 601, A replaced by C.
Protein change: p.Ser201Arg; replaces serine 201 with arginine.
Molecular consequence: missense variant.
Genome position (GRCh38, 1-based): chr5:80,670,118, A>C. VCF-style: chr5-80670118-A-C. GRCh37 (hg19) VCF-style: chr5-79965937-A-C.
Other names: short protein forms S201R.
Identifiers: ClinVar variation 656876 (VCV000656876.13), dbSNP rs759271567, ClinGen allele CA360265920.
Genomic context (GRCh38, chr5:80,670,118, plus strand): 5'-TTAATATTTTTAAAACTTTATACATCTTTTGGTTGCCAGGACACAACACTTTTTGATCTC[A>C]GTCAGTTTGGATCATCAAATACAAGTCATGAAAATTTACAGAAAACTGCTTCCAAATCAG-3'
Protein context (NP_002430.3, residues 191-211): NQKDTTLFDL[Ser201Arg]QFGSSNTSHE